The following is an entry in ClinVar:

NM_000271.5(NPC1):c.1542G>A (p.Leu514=)

Gene: NPC1 (NPC intracellular cholesterol transporter 1; minus strand). Cytogenetic location: 18q11.2.
Variant type: single nucleotide variant.
Coding change: c.1542G>A on transcript NM_000271.5 (MANE Select); coding-DNA position 1542, G replaced by A.
Protein change: p.Leu514=; no amino-acid change (leucine 514 retained).
Molecular consequence: synonymous variant.
Genome position (GRCh38, 1-based): chr18:23,554,769, C>T on the plus strand (G>A on the coding strand, the complement: NPC1 is on the minus strand). VCF-style: chr18-23554769-C-T. GRCh37 (hg19) VCF-style: chr18-21134733-C-T.
Identifiers: ClinVar variation 289739 (VCV000289739.17), dbSNP rs371076898, ClinGen allele CA8913451.

ClinVar aggregate classification (germline): Conflicting classifications of pathogenicity. Review status: criteria provided, conflicting classifications (1 of 4 stars). 3 submissions from 3 submitters: Uncertain significance (1); Likely benign (1). 1 of the submissions does not count toward it. Last evaluated 2024-10-30.

Conditions:
NPC1-related disorder. Also called: NPC1-related condition.
Niemann-Pick disease, type C1. Also called: NIEMANN-PICK DISEASE, VARIANT TYPE C1; NEUROVISCERAL STORAGE DISEASE WITH VERTICAL SUPRANUCLEAR OPHTHALMOPLEGIA; NIEMANN-PICK DISEASE WITH CHOLESTEROL ESTERIFICATION BLOCK; NIEMANN-PICK DISEASE WITHOUT SPHINGOMYELINASE DEFICIENCY; NIEMANN-PICK DISEASE, CHRONIC NEURONOPATHIC FORM. Identifiers: Orphanet 646, MedGen C3179455, MONDO:0009757, OMIM 257220.

Allele frequency attached by ClinVar (database versions not stated): ExAC 0.00001; gnomAD exomes 0.00001 and 0.00003; gnomAD 0.00005 and 0.00006; TOPMed 0.00006; ESP Exome Variant Server 0.00008.
gnomAD v4.1: 49 of 1,613,372 alleles (0.003%); highest among the groups gnomAD compares: African/African-American, 0.019%; no homozygotes.

Submissions (3):

Labcorp Genetics (formerly Invitae), Labcorp
Classification: Likely benign for Niemann-Pick disease, type C1. Last evaluated: 2024-10-30. Review status: criteria provided, single submitter. Criteria: Invitae Variant Classification Sherloc (09022015). Collection method: clinical testing. Allele origin: germline.

Eurofins Ntd Llc (ga)
Classification: Uncertain significance. Last evaluated: 2016-08-11. Review status: criteria provided, single submitter. Criteria: EGL Classification Definitions 2015. Collection method: clinical testing. Allele origin: germline. Observed: 1 variant allele, 1 heterozygote.

PreventionGenetics, part of Exact Sciences
Classification: Likely benign for NPC1-related condition. Last evaluated: 2023-11-10. Review status: no assertion criteria provided. Collection method: clinical testing. Allele origin: germline. Not counted in ClinVar's aggregate classification.
Comment: This variant is classified as likely benign based on ACMG/AMP sequence variant interpretation guidelines (Richards et al. 2015 PMID: 25741868, with internal and published modifications).